The following is an entry in ClinVar:

NM_198578.4(LRRK2):c.3274T>C (p.Tyr1092His)

Gene: LRRK2 (leucine rich repeat kinase 2; plus strand). Cytogenetic location: 12q12.
Variant type: single nucleotide variant.
Coding change: c.3274T>C on transcript NM_198578.4 (MANE Select); coding-DNA position 3274, T replaced by C.
Protein change: p.Tyr1092His; replaces tyrosine 1092 with histidine.
Molecular consequence: missense variant.
Genome position (GRCh38, 1-based): chr12:40,298,420, T>C. VCF-style: chr12-40298420-T-C. GRCh37 (hg19) VCF-style: chr12-40692222-T-C.
Other names: short protein forms Y1092H.
Identifiers: ClinVar variation 1729660 (VCV001729660.2), dbSNP rs1401048721, ClinGen allele CA384414946.

ClinVar aggregate classification (germline): Uncertain significance (1 of 4 stars; one submission).

Conditions:
Inborn genetic diseases. Identifiers: MedGen C0950123, MeSH D030342.

Allele frequency attached by ClinVar (database versions not stated): gnomAD exomes below 0.00001; TOPMed 0.00001.
gnomAD v4.1: 1 of 1,613,940 alleles (0.000062%); highest among the groups gnomAD compares: African/African-American, 0.0013%; no homozygotes.

Submission:

Ambry Genetics
Classification: Uncertain significance for Inborn genetic diseases. Last evaluated: 2022-01-13. Review status: criteria provided, single submitter. Criteria: Ambry Variant Classification Scheme 2023. Collection method: clinical testing. Allele origin: germline.
Comment: The p.Y1092H variant (also known as c.3274T>C), located in coding exon 24 of the LRRK2 gene, results from a T to C substitution at nucleotide position 3274. The tyrosine at codon 1092 is replaced by histidine, an amino acid with similar properties. This amino acid position is conserved. In addition, this alteration is predicted to be tolerated by in silico analysis. Since supporting evidence is limited at this time, the clinical significance of this alteration remains unclear.